The following is an entry in ClinVar:

ClinVar aggregate classification (germline): Uncertain significance (1 of 4 stars; one submission).

Submission:

Dasa
Classification: Uncertain significance. Last evaluated: 2025-01-22. Review status: criteria provided, single submitter. Criteria: DASA Assertion Criteria. Collection method: clinical testing. Allele origin: germline.
Comment: NM_002069.6(GNAI1):c.848T>C (p.Leu283Pro) is a missense variant that results in the substitution of leucine with proline. This variant is absent from population databases. Computational prediction algorithms are consistent with a deleterious effect. The currently available literature and clinical evidence are not sufficient to establish a definitive association between this variant and the reported condition. Therefore, this variant is classified as a variant of uncertain significance.

NM_002069.6(GNAI1):c.848T>C (p.Leu283Pro)

Gene: GNAI1 (G protein subunit alpha i1; plus strand). Cytogenetic location: 7q21.11.
Variant type: single nucleotide variant.
Coding change: c.848T>C on transcript NM_002069.6 (MANE Select); coding-DNA position 848, T replaced by C.
Protein change: p.Leu283Pro; replaces leucine 283 with proline.
Molecular consequence: missense variant.
Genome position (GRCh38, 1-based): chr7:80,212,843, T>C. VCF-style: chr7-80212843-T-C. GRCh37 (hg19) VCF-style: chr7-79842159-T-C.
Other names: c.692T>C, p.Leu231Pro (NM_001256414.2); short protein forms L231P, L283P.
Identifiers: ClinVar variation 4881364 (VCV004881364.2).
Genomic context (GRCh38, chr7:80,212,843, plus strand): 5'-CCATTATACTTTTTCTAAACAAGAAGGATCTCTTTGAAGAAAAAATCAAAAAGAGCCCTC[T>C]CACTATATGCTATCCAGAATATGCAGGTATTTTCCTTTTCTGGGAATAACTTGTCAAGTT-3'
Protein context (NP_002060.4, residues 273-293): LFEEKIKKSP[Leu283Pro]TICYPEYAGS